The following is an entry in ClinVar:

NM_017999.5(RNF31):c.2631G>A (p.Ser877=)

Gene: RNF31 (ring finger protein 31; plus strand). Cytogenetic location: 14q12.
Variant type: single nucleotide variant.
Coding change: c.2631G>A on transcript NM_017999.5 (MANE Select); coding-DNA position 2631, G replaced by A.
Protein change: p.Ser877=; no amino-acid change (serine 877 retained).
Molecular consequence: synonymous variant.
Genome position (GRCh38, 1-based): chr14:24,157,542, G>A. VCF-style: chr14-24157542-G-A. GRCh37 (hg19) VCF-style: chr14-24626751-G-A.
Other names: c.2178G>A, p.Ser726= (NM_001310332.2).
Identifiers: ClinVar variation 1608305 (VCV001608305.31), dbSNP rs201794587, ClinGen allele CA7126128.

ClinVar aggregate classification (germline): Likely benign. Review status: criteria provided, multiple submitters, no conflicts (2 of 4 stars). 2 submissions from 2 submitters: Likely benign (2). Last evaluated 2023-01-27.

Allele frequency attached by ClinVar (database versions not stated): gnomAD 0.00001; TOPMed 0.00003; ExAC 0.00004; 1000 Genomes Project 0.00020; 1000 Genomes Project 30x 0.00031.
gnomAD v4.1: 36 of 1,614,138 alleles (0.0022%); highest among the groups gnomAD compares: Middle Eastern, 0.016%; no homozygotes.

Submissions (2):

Labcorp Genetics (formerly Invitae), Labcorp
Classification: Likely benign. Last evaluated: 2023-01-27. Review status: criteria provided, single submitter. Criteria: Invitae Variant Classification Sherloc (09022015). Collection method: clinical testing. Allele origin: germline.

CeGaT Center for Human Genetics Tuebingen
Classification: Likely benign. Last evaluated: 2022-05-01. Review status: criteria provided, single submitter. Criteria: CeGaT Center For Human Genetics Tuebingen Variant Classification Criteria Version 2. Collection method: clinical testing. Allele origin: germline. Affected: yes. Observed: 1 variant allele.
Comment: RNF31: BP4, BP7